The following is an entry in ClinVar:

ClinVar aggregate classification (germline): Uncertain significance (1 of 4 stars; one submission).

Submission:

Labcorp Genetics (formerly Invitae), Labcorp
Classification: Uncertain significance. Last evaluated: 2023-03-10. Review status: criteria provided, single submitter. Criteria: Invitae Variant Classification Sherloc (09022015). Collection method: clinical testing. Allele origin: germline.
Comment: In summary, the available evidence is currently insufficient to determine the role of this variant in disease. Therefore, it has been classified as a Variant of Uncertain Significance. This sequence change replaces glutamic acid, which is acidic and polar, with aspartic acid, which is acidic and polar, at codon 358 of the KMT2B protein (p.Glu358Asp). This variant is not present in population databases (gnomAD no frequency). This variant has not been reported in the literature in individuals affected with KMT2B-related conditions. Advanced modeling of protein sequence and biophysical properties (such as structural, functional, and spatial information, amino acid conservation, physicochemical variation, residue mobility, and thermodynamic stability) performed at Invitae indicates that this missense variant is not expected to disrupt KMT2B protein function.

NM_014727.3(KMT2B):c.1074A>T (p.Glu358Asp)

Gene: KMT2B (lysine methyltransferase 2B; plus strand). Cytogenetic location: 19q13.12.
Variant type: single nucleotide variant.
Coding change: c.1074A>T on transcript NM_014727.3 (MANE Select); coding-DNA position 1074, A replaced by T.
Protein change: p.Glu358Asp; replaces glutamic acid 358 with aspartic acid.
Molecular consequence: missense variant.
Genome position (GRCh38, 1-based): chr19:35,720,421, A>T. VCF-style: chr19-35720421-A-T. GRCh37 (hg19) VCF-style: chr19-36211323-A-T.
Other names: short protein forms E358D.
Identifiers: ClinVar variation 2844748 (VCV002844748.3), dbSNP rs1472762473, ClinGen allele CA405384310.